The following is an entry in ClinVar:

ClinVar aggregate classification (germline): Uncertain significance (1 of 4 stars; one submission).

Conditions:
Cardiovascular phenotype. Identifiers: MedGen CN230736.

Allele frequency attached by ClinVar (database versions not stated): ExAC 0.00001; TOPMed 0.00002.
gnomAD v4.1: 6 of 1,612,624 alleles (0.00037%); highest among the groups gnomAD compares: Admixed American, 0.01%; no homozygotes.

Submission:

Ambry Genetics
Classification: Uncertain significance for Cardiovascular phenotype. Last evaluated: 2019-07-16. Review status: criteria provided, single submitter. Criteria: Ambry Variant Classification Scheme 2023. Collection method: clinical testing. Allele origin: germline.
Comment: The p.E988K variant (also known as c.2962G>A), located in coding exon 8 of the AKAP9 gene, results from a G to A substitution at nucleotide position 2962. The glutamic acid at codon 988 is replaced by lysine, an amino acid with similar properties. This amino acid position is highly conserved in available vertebrate species. In addition, this alteration is predicted to be tolerated by in silico analysis. Since supporting evidence is limited at this time, the clinical significance of this alteration remains unclear.

NM_005751.5(AKAP9):c.2962G>A (p.Glu988Lys)

Gene: AKAP9 (A-kinase anchoring protein 9; plus strand). Cytogenetic location: 7q21.2.
Variant type: single nucleotide variant.
Coding change: c.2962G>A on transcript NM_005751.5 (MANE Select); coding-DNA position 2962, G replaced by A.
Protein change: p.Glu988Lys; replaces glutamic acid 988 with lysine.
Molecular consequence: missense variant.
Genome position (GRCh38, 1-based): chr7:92,002,879, G>A. VCF-style: chr7-92002879-G-A. GRCh37 (hg19) VCF-style: chr7-91632193-G-A.
Other names: c.2962G>A, p.Glu988Lys (NM_147185.3); short protein forms E988K.
Identifiers: ClinVar variation 1798184 (VCV001798184.2), dbSNP rs754493921, ClinGen allele CA4336222.
Genomic context (GRCh38, chr7:92,002,879, plus strand): 5'-CAGAAACATGGTGAGATTAGTTTTCTAAATGAAGAAGTTAAATCTTTAAAGCAAGAGAAA[G>A]AACAAGTTTCATTGAGATGTAGAGAGCTAGAAATCATTATTAACCACAACAGGGCAGAAA-3'
Protein context (NP_005742.4, residues 978-998): EEVKSLKQEK[Glu988Lys]QVSLRCRELE